The following is an entry in ClinVar:

ClinVar aggregate classification (germline): Pathogenic (0 of 4 stars; one submission).

Conditions:
Isolated growth hormone deficiency type IB (IGHD1B). Also called: IGHD 1B; IGHD IB. Identifiers: Orphanet 231671, Orphanet 631, MedGen C2748571, MONDO:0013006, OMIM 612781.

Submission:

Endocrinology Clinic, Seth G.S. Medical College
Classification: Pathogenic for Isolated growth hormone deficiency type 1B. Last evaluated: 2013-02-15. Review status: no assertion criteria provided. Collection method: case-control. Allele origin: inherited. Inheritance: Autosomal recessive inheritance. Affected: yes. Observed: 2 homozygotes.
ClinVar note: Converted during submission from pathogenic to Pathogenic.

NC_000007.14:g.62535490A>G

Variant type: single nucleotide variant.
Genome position: GRCh38 VCF-style: chr7-62535490-A-G. GRCh37 (hg19) VCF-style: chr7-61995868-A-G.
Identifiers: ClinVar variation 88740 (VCV000088740.4), dbSNP rs483352872, ClinGen allele CA113774.